The following is an entry in ClinVar:

NM_020822.3(KCNT1):c.1612C>A (p.Arg538Ser)

Gene: KCNT1 (potassium sodium-activated channel subfamily T member 1; plus strand). Cytogenetic location: 9q34.3.
Variant type: single nucleotide variant.
Coding change: c.1612C>A on transcript NM_020822.3 (MANE Select); coding-DNA position 1612, C replaced by A.
Protein change: p.Arg538Ser; replaces arginine 538 with serine.
Molecular consequence: missense variant.
Genome position (GRCh38, 1-based): chr9:135,770,048, C>A. VCF-style: chr9-135770048-C-A. GRCh37 (hg19) VCF-style: chr9-138661894-C-A.
Other names: c.1477C>A, p.Arg493Ser (NM_001272003.2); short protein forms R493S, R538S.
Identifiers: ClinVar variation 2949714 (VCV002949714.3), dbSNP rs774588571, ClinGen allele CA375506041.

ClinVar aggregate classification (germline): Uncertain significance (1 of 4 stars; one submission).

Conditions:
Autosomal dominant nocturnal frontal lobe epilepsy 5. Also called: Epilepsy, nocturnal frontal lobe, 5; KCNT1-Related Epilepsy; CILIARY DYSKINESIA, PRIMARY, 28, WITHOUT SITUS INVERSUS; CILIARY DYSKINESIA, PRIMARY, 28, WITH SITUS INVERSUS. Identifiers: Orphanet 98784, MedGen C3554306, MONDO:0014002, OMIM 615005.
Developmental and epileptic encephalopathy, 14 (DEE14). Also called: Early infantile epileptic encephalopathy 14. Identifiers: Orphanet 293181, MedGen C3554195, MONDO:0013989, OMIM 614959.

gnomAD v4.1: 1 of 1,550,274 alleles (0.000065%); highest among the groups gnomAD compares: South Asian, 0.0012%; no homozygotes.

Submission:

Labcorp Genetics (formerly Invitae), Labcorp
Classification: Uncertain significance for Autosomal dominant nocturnal frontal lobe epilepsy 5; Developmental and epileptic encephalopathy, 14. Last evaluated: 2023-07-09. Review status: criteria provided, single submitter. Criteria: Invitae Variant Classification Sherloc (09022015). Collection method: clinical testing. Allele origin: germline.
Comment: This variant has not been reported in the literature in individuals affected with KCNT1-related conditions. In summary, the available evidence is currently insufficient to determine the role of this variant in disease. Therefore, it has been classified as a Variant of Uncertain Significance. Advanced modeling of protein sequence and biophysical properties (such as structural, functional, and spatial information, amino acid conservation, physicochemical variation, residue mobility, and thermodynamic stability) performed at Invitae indicates that this missense variant is not expected to disrupt KCNT1 protein function. This variant is not present in population databases (gnomAD no frequency). This sequence change replaces arginine, which is basic and polar, with serine, which is neutral and polar, at codon 538 of the KCNT1 protein (p.Arg538Ser).